The following is an entry in ClinVar:

ClinVar aggregate classification (germline): Uncertain significance. Review status: criteria provided, multiple submitters, no conflicts (2 of 4 stars). 3 submissions from 3 submitters: Uncertain significance (2). 1 of the submissions does not count toward it. Last evaluated 2024-04-23.

Conditions:
NPHS2-related disorder. Also called: NPHS2-related condition.
Nephrotic syndrome, type 2 (NPHS2). Also called: NEPHROTIC SYNDROME, STEROID-RESISTANT, AUTOSOMAL RECESSIVE. Identifiers: Orphanet 656, MedGen C1868672, MONDO:0010974, OMIM 600995.

Allele frequency attached by ClinVar (database versions not stated): TOPMed below 0.00001; gnomAD 0.00001.
gnomAD v4.1: 1 of 1,613,444 alleles (0.000062%); highest among the groups gnomAD compares: Admixed American, 0.0017%; no homozygotes.

Submissions (3):

Fulgent Genetics
Classification: Uncertain significance for Nephrotic syndrome, type 2. Last evaluated: 2024-04-23. Review status: criteria provided, single submitter. Criteria: ACMG Guidelines, 2015. Collection method: clinical testing. Allele origin: germline.

Athena Diagnostics
Classification: Uncertain significance. Last evaluated: 2017-05-31. Review status: criteria provided, single submitter. Criteria: Athena Diagnostics Criteria. Collection method: clinical testing. Allele origin: germline.

PreventionGenetics, part of Exact Sciences
Classification: Likely pathogenic for NPHS2-related condition. Last evaluated: 2023-12-08. Review status: no assertion criteria provided. Collection method: clinical testing. Allele origin: germline. Not counted in ClinVar's aggregate classification.
Comment: The NPHS2 c.416T>G variant is predicted to result in the amino acid substitution p.Leu139Arg. This variant has not been reported in a large population database, indicating this variant is rare. This variant has been reported in several individuals with nephrotic syndrome; however, it is unclear if there was a second NPHS2 variant as only exon 3 was analyzed (Carrasco-Miranda et al. 2013. PubMed ID: 23913389). Of note, a different amino acid substitution at this position (p.Leu139Pro) was also reported with a second NPHS2 variant in a patient with nephrotic syndrome (Supp. Table 3 of Landini et al. 2020. PubMed ID: 31831576). The p.Leu139Arg variant is interpreted as likely pathogenic.

Literature cited by the submitters: PubMed 23913389 (cited by Athena Diagnostics); PubMed 25573908 (cited by Athena Diagnostics); PubMed 26211502 (cited by Athena Diagnostics).

NM_014625.4(NPHS2):c.416T>G (p.Leu139Arg)

Gene: NPHS2 (NPHS2 stomatin family member, podocin; minus strand). Cytogenetic location: 1q25.2.
Variant type: single nucleotide variant.
Coding change: c.416T>G on transcript NM_014625.4 (MANE Select); coding-DNA position 416, T replaced by G.
Protein change: p.Leu139Arg; replaces leucine 139 with arginine.
Molecular consequence: missense variant.
Genome position (GRCh38, 1-based): chr1:179,561,324, A>C on the plus strand (T>G on the coding strand, the complement: NPHS2 is on the minus strand). VCF-style: chr1-179561324-A-C. GRCh37 (hg19) VCF-style: chr1-179530459-A-C.
Other names: c.416T>G, p.Leu139Arg (NM_001297575.2); short protein forms L139R.
Identifiers: ClinVar variation 447880 (VCV000447880.5), dbSNP rs1345260812, ClinGen allele CA343569701.